The following is an entry in ClinVar:

ClinVar aggregate classification (germline): Likely benign (1 of 4 stars; one submission).

Conditions:
GNAS-related disorder. Identifiers: MedGen CN380105.

Submission:

PreventionGenetics, part of Exact Sciences
Classification: Likely benign for GNAS-related condition. Last evaluated: 2026-06-05. Review status: criteria provided, single submitter. Criteria: ACMG Guidelines, 2015. Collection method: clinical testing. Allele origin: germline.
Comment: This variant is classified as likely benign based on ACMG/AMP sequence variant interpretation guidelines (Richards et al. 2015 PMID: 25741868, with internal and published modifications).

NM_016592.5(GNAS):c.*42+1230T>A

Genes: GNAS (GNAS complex locus; plus strand), GNAS-AS1 (GNAS antisense RNA 1; minus strand). Cytogenetic location: 20q13.32.
Variant type: single nucleotide variant.
Coding change: c.*42+1230T>A on transcript NM_016592.5 (MANE Plus Clinical); 1230 bases into the intron after 42 bases downstream of the stop codon, T replaced by A.
Molecular consequence: intron variant. On other transcripts: non-coding transcript variant (7).
Genome position (GRCh38, 1-based): chr20:58,842,116, T>A. VCF-style: chr20-58842116-T-A. GRCh37 (hg19) VCF-style: chr20-57417171-T-A.
Other names: c.43+1230T>A (NM_001410912.1); c.-39+241T>A (NM_001309861.2).
Identifiers: ClinVar variation 4988088 (VCV004988088.1).